The following is an entry in ClinVar:

NM_000038.6(APC):c.1860T>A (p.Leu620=)

Gene: APC (APC regulator of Wnt signaling pathway; plus strand). Cytogenetic location: 5q22.2.
Variant type: single nucleotide variant.
Coding change: c.1860T>A on transcript NM_000038.6 (MANE Select); coding-DNA position 1860, T replaced by A.
Protein change: p.Leu620=; no amino-acid change (leucine 620 retained).
Molecular consequence: synonymous variant.
Genome position (GRCh38, 1-based): chr5:112,835,067, T>A. VCF-style: chr5-112835067-T-A. GRCh37 (hg19) VCF-style: chr5-112170764-T-A.
Other names: c.1860T>A, p.Leu620= (NM_001127510.3, NM_001354895.2); c.1806T>A, p.Leu602= (NM_001127511.3); c.1914T>A, p.Leu638= (NM_001354896.2); c.1890T>A, p.Leu630= (NM_001354897.2); c.1785T>A, p.Leu595= (NM_001354898.2); c.1776T>A, p.Leu592= (NM_001354899.2); c.1737T>A, p.Leu579= (NM_001354900.2); c.1683T>A, p.Leu561= (NM_001354901.2); and 5 more.
Identifiers: ClinVar variation 490228 (VCV000490228.17), dbSNP rs749754970, ClinGen allele CA445758888.

ClinVar aggregate classification (germline): Benign/Likely benign. Review status: criteria provided, multiple submitters, no conflicts (2 of 4 stars). 5 submissions from 5 submitters: Benign (1); Likely benign (4). Last evaluated 2026-09-25.

Conditions:
APC-related disorder. Also called: APC-related condition.
Hereditary cancer-predisposing syndrome. Also called: Neoplastic Syndromes, Hereditary; Hereditary Cancer Syndrome; Tumor predisposition; Hereditary neoplastic syndrome. Identifiers: Orphanet 140162, MedGen C0027672, MeSH D009386, MONDO:0015356.
Familial adenomatous polyposis 1 (FAP1). Also called: FAMILIAL ADENOMATOUS POLYPOSIS 1, ATTENUATED; POLYPOSIS, ADENOMATOUS INTESTINAL. Identifiers: MedGen C2713442, MONDO:0021056, OMIM 175100. Disease mechanism: loss of function.

Submissions (5):

PreventionGenetics, part of Exact Sciences
Classification: Likely benign for APC-related condition. Last evaluated: 2026-09-25. Review status: criteria provided, single submitter. Criteria: ACMG Guidelines, 2015. Collection method: clinical testing. Allele origin: germline.
Comment: This variant is classified as likely benign based on ACMG/AMP sequence variant interpretation guidelines (Richards et al. 2015 PMID: 25741868, with internal and published modifications).

Labcorp Genetics (formerly Invitae), Labcorp
Classification: Likely benign for Familial adenomatous polyposis 1. Last evaluated: 2025-12-17. Review status: criteria provided, single submitter. Criteria: Invitae Variant Classification Sherloc (09022015). Collection method: clinical testing. Allele origin: germline.

Myriad Genetics, Inc.
Classification: Benign for Familial adenomatous polyposis 1. Last evaluated: 2024-03-07. Review status: criteria provided, single submitter. Criteria: Myriad Autosomal Dominant, Autosomal Recessive and X-Linked Classification Criteria (2023). Collection method: clinical testing. Allele origin: unknown.
Comment: This variant is considered benign. This variant is a silent/synonymous amino acid change and it is not expected to impact splicing.

Ambry Genetics
Classification: Likely benign for Hereditary cancer-predisposing syndrome. Last evaluated: 2021-04-05. Review status: criteria provided, single submitter. Criteria: Ambry Variant Classification Scheme 2023. Collection method: clinical testing. Allele origin: germline.

Color Diagnostics, LLC DBA Color Health
Classification: Likely benign for Hereditary cancer-predisposing syndrome. Last evaluated: 2016-09-23. Review status: criteria provided, single submitter. Criteria: ACMG Guidelines, 2015. Collection method: clinical testing. Allele origin: germline.